The following is an entry in ClinVar:

ClinVar aggregate classification (germline): Likely pathogenic (1 of 4 stars; one submission).

Conditions:
Neurofibromatosis, type 1 (NF1). Also called: NEUROFIBROMATOSIS, TYPE I, SOMATIC; Neurofibromatosis, type I; VON RECKLINGHAUSEN DISEASE; Peripheral type neurofibromatosis. Identifiers: Orphanet 636, MedGen C0027831, MONDO:0018975, OMIM 162200. Disease mechanism: loss of function.

Submission:

Labcorp Genetics (formerly Invitae), Labcorp
Classification: Likely pathogenic for Neurofibromatosis, type 1. Last evaluated: 2021-06-17. Review status: criteria provided, single submitter. Criteria: Invitae Variant Classification Sherloc (09022015). Collection method: clinical testing. Allele origin: germline.
Comment: In summary, the currently available evidence indicates that the variant is pathogenic, but additional data are needed to prove that conclusively. Therefore, this variant has been classified as Likely Pathogenic. Advanced modeling of protein sequence and biophysical properties (such as structural, functional, and spatial information, amino acid conservation, physicochemical variation, residue mobility, and thermodynamic stability) performed at Invitae indicates that this missense variant is expected to disrupt NF1 protein function. This variant has been observed in individual(s) with neurofibromatosis type 1 (PMID: 23404336). This variant is not present in population databases (ExAC no frequency). This sequence change replaces leucine with arginine at codon 1834 of the NF1 protein (p.Leu1834Arg). The leucine residue is moderately conserved and there is a moderate physicochemical difference between leucine and arginine.

Literature cited by the submitters: PubMed 23404336.

NM_001042492.3(NF1):c.5564T>G (p.Leu1855Arg)

Gene: NF1 (neurofibromin 1; plus strand). Cytogenetic location: 17q11.2.
Variant type: single nucleotide variant.
Coding change: c.5564T>G on transcript NM_001042492.3 (MANE Select); coding-DNA position 5564, T replaced by G.
Protein change: p.Leu1855Arg; replaces leucine 1855 with arginine.
Molecular consequence: missense variant.
Genome position (GRCh38, 1-based): chr17:31,327,794, T>G. VCF-style: chr17-31327794-T-G. GRCh37 (hg19) VCF-style: chr17-29654812-T-G.
Other names: c.5501T>G, p.Leu1834Arg (NM_000267.4); short protein forms L1834R, L1855R.
Identifiers: ClinVar variation 1489192 (VCV001489192.8), dbSNP rs2069385520, ClinGen allele CA399009937.
Genomic context (GRCh38, chr17:31,327,794, plus strand): 5'-AGCCCGACTCTATCCCCCAACACACCAAGATTCGGCCAAAAGATGTCCCTGGGACACTGC[T>G]CAATATCGCATTACTTAATTTAGGCAGTTCTGACCCGAGTTTACGGTAGGTTTTTTAAAA-3'
Protein context (NP_001035957.1, residues 1845-1865): IRPKDVPGTL[Leu1855Arg]NIALLNLGSS